The following is an entry in ClinVar:

ClinVar aggregate classification (germline): Uncertain significance (1 of 4 stars; one submission).

Submission:

Women's Health and Genetics/Laboratory Corporation of America, LabCorp
Classification: Uncertain significance. Last evaluated: 2020-08-24. Review status: criteria provided, single submitter. Criteria: LabCorp Variant Classification Summary - May 2015. Collection method: clinical testing. Allele origin: germline.
Comment: Variant summary: SMAD4 c.788-6T>C alters a conserved nucleotide located close to a canonical splice site and therefore could affect mRNA splicing, leading to a significantly altered protein sequence. 4/4 computational tools predict no significant impact on normal splicing. However, these predictions have yet to be confirmed by functional studies. The variant was absent in 251256 control chromosomes. The available data on variant occurrences in the general population are insufficient to allow any conclusion about variant significance. To our knowledge, no occurrence of c.788-6T>C in individuals affected with Juvenile Polyposis Syndrome and no experimental evidence demonstrating its impact on protein function have been reported. No clinical diagnostic laboratories have submitted clinical-significance assessments for this variant to ClinVar after 2014. Based on the evidence outlined above, the variant was classified as uncertain significance.

NM_005359.6(SMAD4):c.788-6T>C

Gene: SMAD4 (SMAD family member 4; plus strand). Cytogenetic location: 18q21.2.
Variant type: single nucleotide variant.
Coding change: c.788-6T>C on transcript NM_005359.6 (MANE Select); 6 bases into the intron before coding-DNA position 788, T replaced by C.
Molecular consequence: intron variant.
Genome position (GRCh38, 1-based): chr18:51,058,334, T>C. VCF-style: chr18-51058334-T-C. GRCh37 (hg19) VCF-style: chr18-48584704-T-C.
Identifiers: ClinVar variation 977740 (VCV000977740.1), dbSNP rs1909898384, ClinGen allele CA1139666068.
Genomic context (GRCh38, chr18:51,058,334, plus strand): 5'-ATAGTTGAGAAAAAAGTAGGCAGCCTTTATAAAAGCAAATTAACCCATGTGGGCCTTAAT[T>C]TTTAGACAGCACTACCACCTGGACTGGAAGTAGGACTGCACCATACACACCTAATTTGCC-3'